The following is an entry in ClinVar:

ClinVar aggregate classification (germline): Uncertain significance (1 of 4 stars; one submission).

Conditions:
CAMTA1-related disorder. Also called: CAMTA1-related condition.

Submission:

PreventionGenetics, part of Exact Sciences
Classification: Uncertain significance for CAMTA1-related condition. Last evaluated: 2023-03-03. Review status: criteria provided, single submitter. Criteria: ACMG Guidelines, 2015. Collection method: clinical testing. Allele origin: germline.
Comment: The CAMTA1 c.4402_4404delTCT variant is predicted to result in an in-frame deletion (p.Ser1468del). To our knowledge, this variant has not been reported in the literature. This variant is reported in 0.0029% of alleles in individuals of Latino descent in gnomAD. At this time, the clinical significance of this variant is uncertain due to the absence of conclusive functional and genetic evidence.

NM_015215.4(CAMTA1):c.4399TCT[1] (p.Ser1468del)

Gene: CAMTA1 (calmodulin binding transcription activator 1; plus strand). Cytogenetic location: 1p36.23.
Variant type: Microsatellite.
Coding change: c.4399TCT[1] on transcript NM_015215.4 (MANE Select); one copy of the 3-base unit TCT starting at c.4399; the reference has two copies in a row; one copy, 3 bases deleted.
Protein change: p.Ser1468del; deletes serine 1468.
Molecular consequence: inframe deletion.
Genome position (GRCh38, 1-based): chr1:7,745,876-7,745,878, TCT deleted; deleting any 3 consecutive bases within chr1:7,745,871-7,745,878 gives the same sequence; the position shown is the placement nearest the transcript's 3' end. VCF-style (leftmost placement, unchanged base first): chr1-7745870-CCTT-C. GRCh37 (hg19) VCF-style: chr1-7805930-CCTT-C.
Other names: c.4309TCT[1], p.Ser1438del (NM_001349608.2); c.4060TCT[1], p.Ser1355del (NM_001349609.2, NM_001349610.2, NM_001410737.1); c.3970TCT[1], p.Ser1325del (NM_001349612.2); c.1528TCT[1], p.Ser511del (NM_001349613.1); c.1471TCT[1], p.Ser492del (NM_001349614.1, NM_001349615.2, NM_001349616.2 and 2 more transcripts); c.1132TCT[1], p.Ser379del (NM_001349619.2, NM_001349620.1, NM_001349621.1 and 5 more transcripts); c.3988TCT[1], p.Ser1331del (NM_001410738.1); short protein forms S1325del, S1331del, S1355del, S1438del, S1468del, S379del, S492del, S511del.
Identifiers: ClinVar variation 2634890 (VCV002634890.1), dbSNP rs758952166, ClinGen allele CA567153.
Genomic context (GRCh38, chr1:7,745,870, plus strand): 5'-TTAATCTGTCTCTCCTTTTTCTCCTCTTGTTTCAGAAGTGCATATAACGAGCCTCTAACC[CCTT>C]CTTCTAATACCAGCTTGAGCCCTGTTGGCTCTCCCGTCAGTGAAATCGCTTTCGAGAAAC-3'